The following is an entry in ClinVar:

NM_007194.4(CHEK2):c.908+6T>C

Gene: CHEK2 (checkpoint kinase 2; minus strand). Cytogenetic location: 22q12.1.
Variant type: single nucleotide variant.
Coding change: c.908+6T>C on transcript NM_007194.4 (MANE Select); 6 bases into the intron after coding-DNA position 908, T replaced by C.
Molecular consequence: intron variant.
Genome position (GRCh38, 1-based): chr22:28,703,499, A>G on the plus strand (T>C on the coding strand, the complement: CHEK2 is on the minus strand). VCF-style: chr22-28703499-A-G. GRCh37 (hg19) VCF-style: chr22-29099487-A-G.
Other names: c.245+6T>C (NM_001437942.1, NM_001257387.3); c.707+6T>C (NM_001349956.3); c.908+6T>C (NM_145862.3); c.1001+6T>C (NM_001438295.1, NM_001438293.1); c.1037+6T>C (NM_001438294.1, NM_001005735.3).
Identifiers: ClinVar variation 219655 (VCV000219655.20), dbSNP rs748988275, ClinGen allele CA349791.

ClinVar aggregate classification (germline): Conflicting classifications of pathogenicity. Review status: criteria provided, conflicting classifications (1 of 4 stars). 7 submissions from 7 submitters: Likely pathogenic (1); Uncertain significance (5). 1 of the submissions does not count toward it. Last evaluated 2025-12-21.

Conditions:
Hereditary cancer-predisposing syndrome. Also called: Hereditary neoplastic syndrome; Tumor predisposition; Hereditary Cancer Syndrome; Neoplastic Syndromes, Hereditary. Identifiers: Orphanet 140162, MedGen C0027672, MeSH D009386, MONDO:0015356.
Familial cancer of breast. Also called: hereditary breast carcinoma; Hereditary breast cancer; BREAST CANCER, FAMILIAL. Identifiers: Orphanet 227535, MedGen C0346153, MONDO:0016419, OMIM 114480. Disease mechanism: loss of function.

Allele frequency attached by ClinVar (database versions not stated): gnomAD exomes 0.00002.

Submissions (7):

Labcorp Genetics (formerly Invitae), Labcorp
Classification: Likely pathogenic for Familial cancer of breast. Last evaluated: 2025-12-21. Review status: criteria provided, single submitter. Criteria: Invitae Variant Classification Sherloc (09022015). Collection method: clinical testing. Allele origin: germline.
Comment: This sequence change falls in intron 8 of the CHEK2 gene. It does not directly change the encoded amino acid sequence of the CHEK2 protein. RNA analysis indicates that this variant induces altered splicing and may result in an absent or altered protein product. This variant is not present in population databases (gnomAD no frequency). This variant has not been reported in the literature in individuals affected with CHEK2-related conditions. ClinVar contains an entry for this variant (Variation ID: 219655). Variants that disrupt the consensus splice site are a relatively common cause of aberrant splicing (PMID: 17576681, 9536098). Studies have shown that this variant results in skipping of exon 8, and produces a non-functional protein and/or introduces a premature termination codon (internal data). In summary, the currently available evidence indicates that the variant is pathogenic, but additional data are needed to prove that conclusively. Therefore, this variant has been classified as Likely Pathogenic.

Baylor Genetics
Classification: Uncertain significance for Familial cancer of breast. Last evaluated: 2024-02-22. Review status: criteria provided, single submitter. Criteria: ACMG Guidelines, 2015. Collection method: clinical testing. Allele origin: unknown.

Color Diagnostics, LLC DBA Color Health
Classification: Uncertain significance for Hereditary cancer-predisposing syndrome. Last evaluated: 2023-11-07. Review status: criteria provided, single submitter. Criteria: ACMG Guidelines, 2015. Collection method: clinical testing. Allele origin: germline.
Comment: This variant causes a T to C nucleotide substitution at the +6 position of intron 8 of the CHEK2 gene. To our knowledge, functional studies have not been reported for this variant. This variant has not been reported in individuals affected with CHEK2-related cancers, but it has been reported in an unaffected individual (PMID: 28779002). This variant has not been identified in the general population by the Genome Aggregation Database (gnomAD). The available evidence is insufficient to determine the role of this variant in disease conclusively. Therefore, this variant is classified as a Variant of Uncertain Significance.

Myriad Genetics, Inc.
Classification: Uncertain significance for Familial cancer of breast. Last evaluated: 2023-03-08. Review status: criteria provided, single submitter. Criteria: Myriad Autosomal Dominant, Autosomal Recessive and X-Linked Classification Criteria (2023). Collection method: clinical testing. Allele origin: unknown.
Comment: This variant is classified as a variant of uncertain significance as there is insufficient evidence to determine its impact on protein function and/or cancer risk.

GeneDx
Classification: Uncertain significance. Last evaluated: 2022-06-12. Review status: criteria provided, single submitter. Criteria: GeneDx Variant Classification Process June 2021. Collection method: clinical testing. Allele origin: germline. Affected: yes.
Comment: Not observed at significant frequency in large population cohorts (gnomAD); Has not been previously published as pathogenic or benign to our knowledge; In silico analysis supports a deleterious effect on splicing

Genetic Services Laboratory, University of Chicago
Classification: Uncertain significance. Last evaluated: 2018-05-23. Review status: criteria provided, single submitter. Criteria: ACMG Guidelines, 2015. Collection method: clinical testing. Allele origin: germline. Affected: no.

Counsyl
Classification: Uncertain significance for Familial cancer of breast. Last evaluated: 2018-01-15. Review status: no assertion criteria provided. Collection method: clinical testing. Allele origin: unknown. Not counted in ClinVar's aggregate classification.

Literature cited by the submitters: PubMed 17576681 (cited by Labcorp Genetics (formerly Invitae), Labcorp); PubMed 9536098 (cited by Labcorp Genetics (formerly Invitae), Labcorp); PubMed 28779002 (cited by Color Diagnostics, LLC DBA Color Health).